The following is an entry in ClinVar:

ClinVar aggregate classification (germline): Uncertain significance (1 of 4 stars; one submission).

Submission:

Women's Health and Genetics/Laboratory Corporation of America, LabCorp
Classification: Uncertain significance. Last evaluated: 2024-12-09. Review status: criteria provided, single submitter. Criteria: LabCorp Variant Classification Summary - May 2015. Collection method: clinical testing. Allele origin: germline.
Comment: Variant summary: TTN c.74218G>A (p.Val24740Ile) results in a conservative amino acid change located in the A-band domain of the encoded protein sequence. Three of three in-silico tools predict a benign effect of the variant on protein function. The variant was absent in 248058 control chromosomes. The available data on variant occurrences in the general population are insufficient to allow any conclusion about variant significance. To our knowledge, no occurrence of c.74218G>A in individuals affected with Autosomal Recessive Titinopathy and no experimental evidence demonstrating its impact on protein function have been reported. No submitters have cited clinical-significance assessments for this variant to ClinVar. Based on the evidence outlined above, the variant was classified as uncertain significance.

NM_001267550.2(TTN):c.81922G>A (p.Val27308Ile)

Genes: TTN (titin; minus strand), TTN-AS1 (TTN antisense RNA 1; plus strand). Cytogenetic location: 2q31.2.
Variant type: single nucleotide variant.
Coding change: c.81922G>A on transcript NM_001267550.2 (MANE Select); coding-DNA position 81922, G replaced by A.
Protein change: p.Val27308Ile; replaces valine 27308 with isoleucine.
Molecular consequence: missense variant.
Genome position (GRCh38, 1-based): chr2:178,564,210, C>T on the plus strand (G>A on the coding strand, the complement: TTN is on the minus strand). VCF-style: chr2-178564210-C-T. GRCh37 (hg19) VCF-style: chr2-179428937-C-T.
Other names: c.76999G>A, p.Val25667Ile (NM_001256850.1); c.54727G>A, p.Val18243Ile (NM_003319.4); c.74218G>A, p.Val24740Ile (NM_133378.4); c.55102G>A, p.Val18368Ile (NM_133432.3); c.55303G>A, p.Val18435Ile (NM_133437.4); short protein forms V18243I, V18368I, V18435I, V24740I, V25667I, V27308I.
Identifiers: ClinVar variation 3768184 (VCV003768184.1).